The following is an entry in ClinVar:

ClinVar aggregate classification (germline): Pathogenic (1 of 4 stars; one submission).

Submission:

Labcorp Genetics (formerly Invitae), Labcorp
Classification: Pathogenic. Last evaluated: 2025-11-18. Review status: criteria provided, single submitter. Criteria: Invitae Variant Classification Sherloc (09022015). Collection method: clinical testing. Allele origin: germline.
Comment: This sequence change creates a premature translational stop signal (p.Ile1564Hisfs*36) in the POLE gene. It is expected to result in an absent or disrupted protein product. Loss-of-function variants in POLE are known to be pathogenic (PMID: 23230001, 25948378, 30503519). This variant is not present in population databases (gnomAD no frequency). This variant has not been reported in the literature in individuals affected with POLE-related conditions. ClinVar contains an entry for this variant (Variation ID: 576448). For these reasons, this variant has been classified as Pathogenic.

Literature cited by the submitters: PubMed 23230001; PubMed 25948378; PubMed 30503519.

NM_006231.4(POLE):c.4689dup (p.Ile1564fs)

Gene: POLE (DNA polymerase epsilon, catalytic subunit; minus strand). Cytogenetic location: 12q24.33.
Variant type: Duplication.
Coding change: c.4689dup on transcript NM_006231.4 (MANE Select); coding-DNA position 4689, one base duplicated (C; older notation c.4689dupC).
Protein change: p.Ile1564fs; shifts the reading frame from isoleucine 1564.
Molecular consequence: frameshift variant.
Genome position (GRCh38, 1-based): chr12:132,642,859, G duplicated on the plus strand (C on the coding strand, the reverse complement: POLE is on the minus strand); the first of 2 consecutive G bases (chr12:132,642,859-132,642,860); duplicating either gives the same sequence. VCF-style (leftmost placement, unchanged base first): chr12-132642858-T-TG. GRCh37 (hg19) VCF-style: chr12-133219444-T-TG.
Other names: c.4689dupC (NM_006231.3); short protein forms I1564fs.
Identifiers: ClinVar variation 576448 (VCV000576448.10), dbSNP rs1555222696, ClinGen allele CA891843963.
Genomic context (GRCh38, chr12:132,642,858, plus strand): 5'-GCAAGACCCCAACCACTCTCACCTTGTAGGCGAGCAGGAATCGCTGGATGGCTCTGCAGA[T>TG]GGTCTTCAGGTCAGTTTCTGCCCGAACTTCGAAGGTGTGTTTGGGGGGTGGCAGGAGCTC-3'